The following is an entry in ClinVar:

NM_014425.5(INVS):c.2947C>G (p.Pro983Ala)

Gene: INVS (inversin; plus strand). Cytogenetic location: 9q31.1.
Variant type: single nucleotide variant.
Coding change: c.2947C>G on transcript NM_014425.5 (MANE Select); coding-DNA position 2947, C replaced by G.
Protein change: p.Pro983Ala; replaces proline 983 with alanine.
Molecular consequence: missense variant. On other transcripts: non-coding transcript variant (1).
Genome position (GRCh38, 1-based): chr9:100,297,077, C>G. VCF-style: chr9-100297077-C-G. GRCh37 (hg19) VCF-style: chr9-103059359-C-G.
Other names: c.2659C>G, p.Pro887Ala (NM_001318381.2); c.1969C>G, p.Pro657Ala (NM_001318382.2); short protein forms P983A, P657A, P887A.
Identifiers: ClinVar variation 1490633 (VCV001490633.6), dbSNP rs2118782522, ClinGen allele CA374245304.

ClinVar aggregate classification (germline): Uncertain significance (1 of 4 stars; one submission).

Conditions:
Nephronophthisis. Also called: Juvenile Nephronophthisis. Identifiers: Orphanet 655, MedGen C0687120, MONDO:0019005, HP:0000090.

Submission:

Labcorp Genetics (formerly Invitae), Labcorp
Classification: Uncertain significance for Nephronophthisis. Last evaluated: 2022-02-24. Review status: criteria provided, single submitter. Criteria: Invitae Variant Classification Sherloc (09022015). Collection method: clinical testing. Allele origin: germline.
Comment: This sequence change replaces proline, which is neutral and non-polar, with alanine, which is neutral and non-polar, at codon 983 of the INVS protein (p.Pro983Ala). In summary, the available evidence is currently insufficient to determine the role of this variant in disease. Therefore, it has been classified as a Variant of Uncertain Significance. Algorithms developed to predict the effect of missense changes on protein structure and function (SIFT, PolyPhen-2, Align-GVGD) all suggest that this variant is likely to be tolerated. This variant has not been reported in the literature in individuals affected with INVS-related conditions. This variant is not present in population databases (gnomAD no frequency).